The following is an entry in ClinVar:

ClinVar aggregate classification (germline): Uncertain significance. Review status: criteria provided, multiple submitters, no conflicts (2 of 4 stars). 2 submissions from 2 submitters: Uncertain significance (2). Last evaluated 2025-08-14.

Conditions:
Cardiovascular phenotype. Identifiers: MedGen CN230736.
Long QT syndrome (LQTS). Identifiers: MedGen C0023976, MeSH D008133, MONDO:0002442. Disease mechanism: loss of function. Inheritance: Various modes of inheritance.

Allele frequency attached by ClinVar (database versions not stated): gnomAD exomes below 0.00001; gnomAD 0.00003; TOPMed 0.00003; ESP Exome Variant Server 0.00008.

Submissions (2):

Ambry Genetics
Classification: Uncertain significance for Cardiovascular phenotype. Last evaluated: 2025-08-14. Review status: criteria provided, single submitter. Criteria: Ambry Variant Classification Scheme 2023. Collection method: clinical testing. Allele origin: germline.

Labcorp Genetics (formerly Invitae), Labcorp
Classification: Uncertain significance for Long QT syndrome. Last evaluated: 2024-10-18. Review status: criteria provided, single submitter. Criteria: Invitae Variant Classification Sherloc (09022015). Collection method: clinical testing. Allele origin: germline.
Comment: This sequence change replaces leucine, which is neutral and non-polar, with isoleucine, which is neutral and non-polar, at codon 3296 of the AKAP9 protein (p.Leu3296Ile). This variant is not present in population databases (gnomAD no frequency). This variant has not been reported in the literature in individuals affected with AKAP9-related conditions. ClinVar contains an entry for this variant (Variation ID: 1433749). An algorithm developed to predict the effect of missense changes on protein structure and function (PolyPhen-2) suggests that this variant is likely to be disruptive. In summary, the available evidence is currently insufficient to determine the role of this variant in disease. Therefore, it has been classified as a Variant of Uncertain Significance.

NM_005751.5(AKAP9):c.9886T>A (p.Leu3296Ile)

Gene: AKAP9 (A-kinase anchoring protein 9; plus strand). Cytogenetic location: 7q21.2.
Variant type: single nucleotide variant.
Coding change: c.9886T>A on transcript NM_005751.5 (MANE Select); coding-DNA position 9886, T replaced by A.
Protein change: p.Leu3296Ile; replaces leucine 3296 with isoleucine.
Molecular consequence: missense variant.
Genome position (GRCh38, 1-based): chr7:92,096,845, T>A. VCF-style: chr7-92096845-T-A. GRCh37 (hg19) VCF-style: chr7-91726159-T-A.
Other names: c.4531T>A, p.Leu1511Ile (NM_001379277.1); c.9862T>A, p.Leu3288Ile (NM_147185.3); short protein forms L3288I, L3296I, L1511I.
Identifiers: ClinVar variation 1433749 (VCV001433749.9), dbSNP rs369263681, ClinGen allele CA161896864.
Genomic context (GRCh38, chr7:92,096,845, plus strand): 5'-AAAATAGAATCACAGAGAATGCTATATGATGCCCAGTTGTCAGAAGAACAAGGTCGAAAC[T>A]TAGAGCTTCAGGTACTTCTTGAATCTGAGAAAGTTCGAATTCGGGAAATGAGTAGTACCC-3'
Protein context (NP_005742.4, residues 3286-3306): AQLSEEQGRN[Leu3296Ile]ELQVLLESEK